The following is an entry in ClinVar:

NM_000493.4(COL10A1):c.1925T>G (p.Ile642Ser)

Genes: COL10A1 (collagen type X alpha 1 chain; minus strand), NT5DC1 (5'-nucleotidase domain containing 1; plus strand). Cytogenetic location: 6q22.1.
Variant type: single nucleotide variant.
Coding change: c.1925T>G on transcript NM_000493.4 (MANE Select); coding-DNA position 1925, T replaced by G.
Protein change: p.Ile642Ser; replaces isoleucine 642 with serine.
Molecular consequence: missense variant. On other transcripts: intron variant (1).
Genome position (GRCh38, 1-based): chr6:116,120,191, A>C on the plus strand (T>G on the coding strand, the complement: COL10A1 is on the minus strand). VCF-style: chr6-116120191-A-C. GRCh37 (hg19) VCF-style: chr6-116441354-A-C.
Other names: c.1925T>G, p.Ile642Ser (NM_001424106.1, NM_001424107.1); c.529+2246A>C (NM_152729.3); short protein forms I642S.
Identifiers: ClinVar variation 2037925 (VCV002037925.4), dbSNP rs2534083842, ClinGen allele CA365386391.

ClinVar aggregate classification (germline): Uncertain significance (1 of 4 stars; one submission).

Submission:

Labcorp Genetics (formerly Invitae), Labcorp
Classification: Uncertain significance. Last evaluated: 2022-07-02. Review status: criteria provided, single submitter. Criteria: Invitae Variant Classification Sherloc (09022015). Collection method: clinical testing. Allele origin: germline.
Comment: In summary, the available evidence is currently insufficient to determine the role of this variant in disease. Therefore, it has been classified as a Variant of Uncertain Significance. Algorithms developed to predict the effect of missense changes on protein structure and function (SIFT, PolyPhen-2, Align-GVGD) all suggest that this variant is likely to be disruptive. This variant has not been reported in the literature in individuals affected with COL10A1-related conditions. This variant is not present in population databases (gnomAD no frequency). This sequence change replaces isoleucine, which is neutral and non-polar, with serine, which is neutral and polar, at codon 642 of the COL10A1 protein (p.Ile642Ser).